The following is an entry in ClinVar:

NM_000268.4(NF2):c.1370A>T (p.Asp457Val)

Gene: NF2 (NF2, moesin-ezrin-radixin like (MERLIN) tumor suppressor; plus strand). Cytogenetic location: 22q12.2.
Variant type: single nucleotide variant.
Coding change: c.1370A>T on transcript NM_000268.4 (MANE Select); coding-DNA position 1370, A replaced by T.
Protein change: p.Asp457Val; replaces aspartic acid 457 with valine.
Molecular consequence: missense variant. On other transcripts: non-coding transcript variant (1), intron variant (1).
Genome position (GRCh38, 1-based): chr22:29,674,865, A>T. VCF-style: chr22-29674865-A-T. GRCh37 (hg19) VCF-style: chr22-30070854-A-T.
Other names: c.1370A>T, p.Asp457Val (NM_016418.5, NM_181825.3, NM_181832.3); c.1244A>T, p.Asp415Val (NM_181828.3); c.1247A>T, p.Asp416Val (NM_181829.3); c.1121A>T, p.Asp374Val (NM_181830.3, NM_181831.3); c.448-19887A>T (NM_181833.3); short protein forms D415V, D374V, D457V, D416V.
Identifiers: ClinVar variation 1039580 (VCV001039580.9), dbSNP rs2066912673, ClinGen allele CA411148915.

ClinVar aggregate classification (germline): Uncertain significance (1 of 4 stars; one submission).

Conditions:
Neurofibromatosis, type 2 (SWNV). Also called: BILATERAL ACOUSTIC NEUROFIBROMATOSIS; NF2-Related Schwannomatosis; SCHWANNOMATOSIS, VESTIBULAR. Identifiers: Orphanet 637, MedGen C0027832, MONDO:0007039, OMIM 101000. Disease mechanism: loss of function.

Submission:

Labcorp Genetics (formerly Invitae), Labcorp
Classification: Uncertain significance for Neurofibromatosis, type 2. Last evaluated: 2020-07-01. Review status: criteria provided, single submitter. Criteria: Invitae Variant Classification Sherloc (09022015). Collection method: clinical testing. Allele origin: germline.
Comment: In summary, the available evidence is currently insufficient to determine the role of this variant in disease. Therefore, it has been classified as a Variant of Uncertain Significance. Algorithms developed to predict the effect of sequence changes on RNA splicing suggest that this variant may create or strengthen a splice site, but this prediction has not been confirmed by published transcriptional studies. Algorithms developed to predict the effect of missense changes on protein structure and function (SIFT, PolyPhen-2, Align-GVGD) all suggest that this variant is likely to be disruptive, but these predictions have not been confirmed by published functional studies and their clinical significance is uncertain. This variant has not been reported in the literature in individuals with NF2-related conditions. This variant is not present in population databases (ExAC no frequency). This sequence change replaces aspartic acid with valine at codon 457 of the NF2 protein (p.Asp457Val). The aspartic acid residue is highly conserved and there is a large physicochemical difference between aspartic acid and valine.